The following is an entry in ClinVar:

ClinVar aggregate classification (germline): Uncertain significance (1 of 4 stars; one submission).

Conditions:
Purine-nucleoside phosphorylase deficiency. Also called: NUCLEOSIDE PHOSPHORYLASE DEFICIENCY; Immunodeficiency due to purine nucleoside phosphorylase deficiency. Identifiers: Orphanet 760, MedGen C0268125, MONDO:0013171, OMIM 613179.

Allele frequency attached by ClinVar (database versions not stated): ExAC 0.00001; gnomAD 0.00001; gnomAD exomes 0.00001; TOPMed 0.00001.
gnomAD v4.1: 3 of 1,613,282 alleles (0.00019%); highest among the groups gnomAD compares: Admixed American, 0.005%; no homozygotes.

Submission:

Labcorp Genetics (formerly Invitae), Labcorp
Classification: Uncertain significance for Purine-nucleoside phosphorylase deficiency. Last evaluated: 2022-09-19. Review status: criteria provided, single submitter. Criteria: Invitae Variant Classification Sherloc (09022015). Collection method: clinical testing. Allele origin: germline.
Comment: In summary, the available evidence is currently insufficient to determine the role of this variant in disease. Therefore, it has been classified as a Variant of Uncertain Significance. Algorithms developed to predict the effect of missense changes on protein structure and function (SIFT, PolyPhen-2, Align-GVGD) all suggest that this variant is likely to be tolerated. ClinVar contains an entry for this variant (Variation ID: 572933). This variant has not been reported in the literature in individuals affected with PNP-related conditions. This variant is present in population databases (rs763321970, gnomAD 0.006%). This sequence change replaces threonine, which is neutral and polar, with proline, which is neutral and non-polar, at codon 6 of the PNP protein (p.Thr6Pro).

NM_000270.4(PNP):c.16A>C (p.Thr6Pro)

Gene: PNP (purine nucleoside phosphorylase; plus strand). Cytogenetic location: 14q11.2.
Variant type: single nucleotide variant.
Coding change: c.16A>C on transcript NM_000270.4 (MANE Select); coding-DNA position 16, A replaced by C.
Protein change: p.Thr6Pro; replaces threonine 6 with proline.
Molecular consequence: missense variant.
Genome position (GRCh38, 1-based): chr14:20,472,312, A>C. VCF-style: chr14-20472312-A-C. GRCh37 (hg19) VCF-style: chr14-20940471-A-C.
Other names: short protein forms T6P.
Identifiers: ClinVar variation 572933 (VCV000572933.6), dbSNP rs763321970, ClinGen allele CA7082003.
Genomic context (GRCh38, chr14:20,472,312, plus strand): 5'-TCTGTGATGCCCTTGGAATGGGAGCAGAATTCACCTTGATATTTTTTCTCCCCCAGATAC[A>C]CCTATGAAGATTATAAGAACACTGCAGAATGGCTTCTGTCTCACACTAAGCACCGACCTC-3'
Protein context (NP_000261.2, residues 1-16): MENGY[Thr6Pro]YEDYKNTAEW